The following is an entry in ClinVar:

ClinVar aggregate classification (germline): Uncertain significance (1 of 4 stars; one submission).

Conditions:
Mega-corpus-callosum syndrome with cerebellar hypoplasia and cortical malformations. Identifiers: MedGen C4748927, MONDO:0032648, OMIM 618273.

Allele frequency attached by ClinVar (database versions not stated): TOPMed below 0.00001 and 0.00001; gnomAD 0.00001.
gnomAD v4.1: 1 of 1,546,532 alleles (0.000065%); highest among the groups gnomAD compares: Non-Finnish European, 0.000087%; no homozygotes.

Submission:

Centre for Mendelian Genomics, University Medical Centre Ljubljana
Classification: Uncertain significance for Mega-corpus-callosum syndrome with cerebellar hypoplasia and cortical malformations. Last evaluated: 2020-02-03. Review status: criteria provided, single submitter. Criteria: ACMG Guidelines, 2015. Collection method: clinical testing. Allele origin: unknown. Affected: yes.
Comment: This variant was classified as: Uncertain significance. The available evidence on this variant's pathogenicity is insufficient or conflicting. The following ACMG criteria were applied in classifying this variant: PM2,PP3,BS2.

NM_014975.3(MAST1):c.2354A>T (p.Glu785Val)

Genes: MAST1 (microtubule associated serine/threonine kinase 1; plus strand), LOC112543452 (Sharpr-MPRA regulatory region 6054; plus strand). Cytogenetic location: 19p13.13.
Variant type: single nucleotide variant.
Coding change: c.2354A>T on transcript NM_014975.3 (MANE Select); coding-DNA position 2354, A replaced by T.
Protein change: p.Glu785Val; replaces glutamic acid 785 with valine.
Molecular consequence: missense variant.
Genome position (GRCh38, 1-based): chr19:12,867,765, A>T. VCF-style: chr19-12867765-A-T. GRCh37 (hg19) VCF-style: chr19-12978579-A-T.
Other names: short protein forms E785V.
Identifiers: ClinVar variation 930256 (VCV000930256.3), dbSNP rs1292469725, ClinGen allele CA404278720.
Genomic context (GRCh38, chr19:12,867,765, plus strand): 5'-CCATAACCACGCCCCCTCCATGCAGCAAGCGATTCTCCGCGTCCGAGGCCAGTTTCCTGG[A>T]GGGAGAGGCCAGTCCCCCTTTGGGCGCCCGCCGCCGTTTCTCGGCGCTGCTGGAGCCCAG-3'
Protein context (NP_055790.1, residues 775-795): RFSASEASFL[Glu785Val]GEASPPLGAR